The following is an entry in ClinVar:

ClinVar aggregate classification (germline): Pathogenic (1 of 4 stars; one submission).

Conditions:
Birt-Hogg-Dube syndrome. Also called: Birt Hogg Dubé syndrome. Identifiers: Orphanet 122, MedGen C0346010, MONDO:0800444.

Allele frequency attached by ClinVar (database versions not stated): gnomAD exomes below 0.00001.

Submission:

Myriad Genetics, Inc.
Classification: Pathogenic for Birt-Hogg-Dube syndrome 1. Last evaluated: 2023-07-17. Review status: criteria provided, single submitter. Criteria: Myriad Autosomal Dominant, Autosomal Recessive and X-Linked Classification Criteria (2023). Collection method: clinical testing. Allele origin: unknown.
Comment: This variant is considered pathogenic. This variant creates a frameshift predicted to result in premature protein truncation.

NM_144997.7(FLCN):c.1360del (p.Cys454fs)

Gene: FLCN (folliculin; minus strand). Cytogenetic location: 17p11.2.
Variant type: Deletion.
Coding change: c.1360del on transcript NM_144997.7 (MANE Select); coding-DNA position 1360, one base deleted (T; older notation c.1360delT).
Protein change: p.Cys454fs; shifts the reading frame from cysteine 454.
Molecular consequence: frameshift variant.
Genome position (GRCh38, 1-based): chr17:17,215,257, A deleted on the plus strand (T on the coding strand, the reverse complement: FLCN is on the minus strand). VCF-style (leftmost placement, unchanged base first): chr17-17215256-CA-C. GRCh37 (hg19) VCF-style: chr17-17118570-CA-C.
Other names: c.1414del, p.Cys472fs (NM_001353229.2); c.1360del, p.Cys454fs (NM_001353230.2, NM_001353231.2); short protein forms C454fs, C472fs.
Identifiers: ClinVar variation 2673488 (VCV002673488.1), dbSNP rs2544147093, ClinGen allele CA2636348207.